The following is an entry in ClinVar:

NM_001376.5(DYNC1H1):c.12513+10T>A

Gene: DYNC1H1 (dynein cytoplasmic 1 heavy chain 1; plus strand). Cytogenetic location: 14q32.31.
Variant type: single nucleotide variant.
Coding change: c.12513+10T>A on transcript NM_001376.5 (MANE Select); 10 bases into the intron after coding-DNA position 12513, T replaced by A.
Molecular consequence: intron variant.
Genome position (GRCh38, 1-based): chr14:102,042,758, T>A. VCF-style: chr14-102042758-T-A. GRCh37 (hg19) VCF-style: chr14-102509095-T-A.
Other names: c.12513+10T>A (NM_001376.4).
Identifiers: ClinVar variation 3618158 (VCV003618158.3).

ClinVar aggregate classification (germline): Likely benign. Review status: criteria provided, multiple submitters, no conflicts (2 of 4 stars). 2 submissions from 2 submitters: Likely benign (2). Last evaluated 2025-04-03.

Conditions:
Charcot-Marie-Tooth disease axonal type 2O. Also called: CHARCOT-MARIE-TOOTH NEUROPATHY, AXONAL, TYPE 2O; CHARCOT-MARIE-TOOTH DISEASE, AXONAL, AUTOSOMAL DOMINANT, TYPE 2O; Charcot-Marie-Tooth Neuropathy Type 2O; Charcot-Marie-Tooth disease, axonal, type 20. Identifiers: Orphanet 284232, MedGen C3280220, MONDO:0013644, OMIM 614228.
DYNC1H1-related disorder. Also called: DYNC1H1-related condition; DYNC1H1-related disorders. Identifiers: MedGen CN381529.

Submissions (2):

PreventionGenetics, part of Exact Sciences
Classification: Likely benign for DYNC1H1-related condition. Last evaluated: 2025-04-03. Review status: criteria provided, single submitter. Criteria: ACMG Guidelines, 2015. Collection method: clinical testing. Allele origin: germline.
Comment: This variant is classified as likely benign based on ACMG/AMP sequence variant interpretation guidelines (Richards et al. 2015 PMID: 25741868, with internal and published modifications).

Labcorp Genetics (formerly Invitae), Labcorp
Classification: Likely benign for Charcot-Marie-Tooth disease axonal type 2O. Last evaluated: 2024-08-29. Review status: criteria provided, single submitter. Criteria: Invitae Variant Classification Sherloc (09022015). Collection method: clinical testing. Allele origin: germline.